The following is an entry in ClinVar:

ClinVar aggregate classification (germline): Uncertain significance (1 of 4 stars; one submission).

Conditions:
Joubert syndrome. Also called: CEREBELLOPARENCHYMAL DISORDER IV; JOUBERT-BOLTSHAUSER SYNDROME; Familial aplasia of the vermis. Identifiers: Orphanet 475, MedGen C5979921, MONDO:0018772.
Orofaciodigital syndrome I (OFD1). Also called: OFDS I; Papillon-Leage and Psaume Syndrome; Oral-Facial-Digital Syndrome Type I. Identifiers: Orphanet 2750, MedGen C1510460, MONDO:0010702, OMIM 311200.

Submission:

Labcorp Genetics (formerly Invitae), Labcorp
Classification: Uncertain significance for Orofaciodigital syndrome I; Joubert syndrome. Last evaluated: 2022-10-07. Review status: criteria provided, single submitter. Criteria: Invitae Variant Classification Sherloc (09022015). Collection method: clinical testing. Allele origin: germline.
Comment: A copy number gain of the genomic region encompassing the full coding sequence of the OFD1 gene has been identified. The boundaries of this event are unknown as they extend beyond the assayed region for this gene and therefore may encompass additional genes. As the precise location of this event is unknown, it may be in tandem or it may be located elsewhere in the genome. Isolated whole-gene copy number gains of OFD1 have not been reported in the literature. However, larger copy number events that include this gene have been reported (PMID: 25674159). In summary, the available evidence is currently insufficient to determine the role of this variant in disease. Therefore, it has been classified as a Variant of Uncertain Significance.

Literature cited by the submitters: PubMed 25674159.

NC_000023.10:g.(?_13734103)_(13787227_?)dup

Genes: OFD1 (OFD1 centriole and centriolar satellite protein; plus strand), TRAPPC2 (trafficking protein particle complex subunit 2; minus strand). Cytogenetic location: Xp22.2.
Variant type: Duplication.
Identifiers: ClinVar variation 2424708 (VCV002424708.2).